The following is an entry in ClinVar:

ClinVar aggregate classification (germline): Benign. Review status: criteria provided, multiple submitters, no conflicts (2 of 4 stars). 4 submissions from 4 submitters: Benign (3). 1 of the submissions does not count toward it. Last evaluated 2026-02-04.

Conditions:
Cardiovascular phenotype. Identifiers: MedGen CN230736.
MYOM1-related disorder.
Hypertrophic cardiomyopathy. Also called: HYPERTROPHIC MYOCARDIOPATHY. Identifiers: Orphanet 217569, MedGen C0007194, MeSH D002312, MONDO:0005045, HP:0001639.

Allele frequency attached by ClinVar (database versions not stated): 1000 Genomes Project 0.00599; 1000 Genomes Project 30x 0.00609; TOPMed 0.00763; ESP Exome Variant Server 0.00963; gnomAD 0.00999 and 0.01023; ExAC 0.01006; gnomAD exomes 0.01017 and 0.01174.
gnomAD v4.1: 18,509 of 1,613,960 alleles (1.1%); highest among the groups gnomAD compares: Non-Finnish European, 1.3%; 138 homozygotes.

Submissions (4):

Labcorp Genetics (formerly Invitae), Labcorp
Classification: Benign for Hypertrophic cardiomyopathy. Last evaluated: 2026-02-04. Review status: criteria provided, single submitter. Criteria: Invitae Variant Classification Sherloc (09022015). Collection method: clinical testing. Allele origin: germline.

Laboratory for Molecular Medicine, Mass General Brigham Personalized Medicine
Classification: Benign. Last evaluated: 2014-11-24. Review status: criteria provided, single submitter. Criteria: LMM Criteria. Collection method: clinical testing. Allele origin: germline. Observed: 9 variant alleles.
Comment: 2210-4T>G in intron 15 of MYOM1: This variant is not expected to have clinical s ignificance because it is not located within the conserved splice consensus sequ ence. It has been identified in 1.4% (112/8226) of European American chromosomes from a broad population by the NHLBI Exome Sequencing Project (dbSNP rs143030509).

Ambry Genetics
Classification: Benign for Cardiovascular phenotype. Last evaluated: 2013-03-06. Review status: criteria provided, single submitter. Criteria: Ambry Autosomal Dominant and X-Linked criteria (10/2015). Collection method: clinical testing. Allele origin: germline. Observed: 1 variant allele.
Comment: General population or subpopulation frequency is too high to be a pathogenic mutation based on disease/syndrome prevalence and penetrance

PreventionGenetics, part of Exact Sciences
Classification: Benign for MYOM1-related condition. Last evaluated: 2019-12-11. Review status: no assertion criteria provided. Collection method: clinical testing. Allele origin: germline. Not counted in ClinVar's aggregate classification.
Comment: This variant is classified as benign based on ACMG/AMP sequence variant interpretation guidelines (Richards et al. 2015 PMID: 25741868, with internal and published modifications).

NM_003803.4(MYOM1):c.2210-4T>G

Gene: MYOM1 (myomesin 1; minus strand). Cytogenetic location: 18p11.31.
Variant type: single nucleotide variant.
Coding change: c.2210-4T>G on transcript NM_003803.4 (MANE Select); 4 bases into the intron before coding-DNA position 2210, T replaced by G.
Molecular consequence: intron variant.
Genome position (GRCh38, 1-based): chr18:3,134,828, A>C on the plus strand (T>G on the coding strand, the complement: MYOM1 is on the minus strand). VCF-style: chr18-3134828-A-C. GRCh37 (hg19) VCF-style: chr18-3134826-A-C.
Other names: c.2210-4T>G (NM_019856.2).
Identifiers: ClinVar variation 226811 (VCV000226811.20), dbSNP rs143030509, ClinGen allele CA8874708.
Genomic context (GRCh38, chr18:3,134,828, plus strand): 5'-CCACTGAGGTGTCTGTGTTTCTGCTTGGGATGATTTTGCCAGGAGCCTTGGGGATATCTG[A>C]GAAAGAGGAAAATGGTGATCAAACTCAAGTGGTTTTAAAAATTCATCCTTATCATCTATG-3'